The following is an entry in ClinVar:

NM_021625.5(TRPV4):c.2012T>C (p.Leu671Pro)

Gene: TRPV4 (transient receptor potential cation channel subfamily V member 4; minus strand). Cytogenetic location: 12q24.11.
Variant type: single nucleotide variant.
Coding change: c.2012T>C on transcript NM_021625.5 (MANE Select); coding-DNA position 2012, T replaced by C.
Protein change: p.Leu671Pro; replaces leucine 671 with proline.
Molecular consequence: missense variant.
Genome position (GRCh38, 1-based): chr12:109,788,596, A>G on the plus strand (T>C on the coding strand, the complement: TRPV4 is on the minus strand). VCF-style: chr12-109788596-A-G. GRCh37 (hg19) VCF-style: chr12-110226401-A-G.
Other names: c.1871T>C, p.Leu624Pro (NM_001177428.2); c.1910T>C, p.Leu637Pro (NM_001177431.2); c.1691T>C, p.Leu564Pro (NM_001177433.2); c.1832T>C, p.Leu611Pro (NM_147204.3); short protein forms L564P, L671P, L624P, L637P, L611P.
Identifiers: ClinVar variation 1784436 (VCV001784436.12), dbSNP rs2548718084, ClinGen allele CA386650669.
Genomic context (GRCh38, chr12:109,788,596, plus strand): 5'-TACTTGGTGCTGCTCAGCATCTCCAGGTCGCCCATGCCGATGGTCAGCTTAAACAGGTCC[A>G]GGAGGAAGGTGCTGAAGGTCTCGCTGTCACGGCACGAGGGGTAAGTGGGCACTGTGCAGT-3'
Protein context (NP_067638.3, residues 661-681): RDSETFSTFL[Leu671Pro]DLFKLTIGMG

ClinVar aggregate classification (germline): Conflicting classifications of pathogenicity. Review status: criteria provided, conflicting classifications (1 of 4 stars). 3 submissions from 3 submitters: Likely pathogenic (1); Uncertain significance (2). Last evaluated 2025-06-01.

Conditions:
Scapuloperoneal spinal muscular atrophy (SPSMA). Also called: Scapuloperoneal Spinal Muscular Atrophy, TRPV4-Related; AMYOTROPHY, NEUROGENIC SCAPULOPERONEAL, NEW ENGLAND TYPE; Scapuloperoneal Form of Spinal Muscular Atrophy; Scapuloperoneal spinal muscular atrophy, autosomal dominant. Identifiers: Orphanet 431255, MedGen C0751335, MONDO:0008408, OMIM 181405.
Charcot-Marie-Tooth disease axonal type 2C (HMSN2C). Also called: Charcot-Marie-Tooth Disease Type 2, TRPV4-Related (CMT2C); CHARCOT-MARIE-TOOTH DISEASE, AXONAL, AUTOSOMAL DOMINANT, TYPE 2C; Charcot-Marie-Tooth Neuropathy Type 2C. Identifiers: Orphanet 99937, MedGen C1853710, MONDO:0011633, OMIM 606071.
Neuronopathy, distal hereditary motor, autosomal dominant 8. Also called: SPINAL MUSCULAR ATROPHY, CONGENITAL BENIGN, WITH CONTRACTURES; NEURONOPATHY, DISTAL HEREDITARY MOTOR, TYPE VIII; NEUROPATHY, DISTAL HEREDITARY MOTOR, TYPE VIII; Autosomal dominant congenital benign spinal muscular atrophy. Identifiers: Orphanet 1216, MedGen C1838492, MONDO:0010839, OMIM 600175.
Inborn genetic diseases. Identifiers: MedGen C0950123, MeSH D030342.

Allele frequency attached by ClinVar (database versions not stated): gnomAD exomes below 0.00001.
gnomAD v4.1: 1 of 1,614,266 alleles (0.000062%); highest among the groups gnomAD compares: Non-Finnish European, 0.000085%; no homozygotes.

Submissions (3):

CeGaT Center for Human Genetics Tuebingen
Classification: Uncertain significance. Last evaluated: 2025-06-01. Review status: criteria provided, single submitter. Criteria: CeGaT Center For Human Genetics Tuebingen Variant Classification Criteria Version 2. Collection method: clinical testing. Allele origin: germline. Affected: yes. Observed: 1 variant allele.
Comment: TRPV4: PM2, PS4:Supporting

Dr. med. U. Finckh, Human Genetics, Eurofins MVZ
Classification: Likely pathogenic for Scapuloperoneal spinal muscular atrophy; Charcot-Marie-Tooth disease axonal type 2C; Neuronopathy, distal hereditary motor, autosomal dominant 8. Last evaluated: 2022-03-29. Review status: criteria provided, single submitter. Criteria: ACMG Guidelines, 2015. Collection method: clinical testing. Allele origin: unknown. Affected: yes. Observed: 2 heterozygotes.
Comment: The variant is not present in gnomAD. Prediction tools support a damaging effect on protein function. Missense mutation is the common disease mechanism in TRPV4. The affected codon is part of the functionally important pore-forming domain of the TRPV4 ion channel (PMID: 27252279; 12715179) and is conserved in the paralogous proteins TRPV1-3. Internal data: detected in two probands with symptoms compatible with TRPV4-associated neuromuscular disease (see separate comment for details). We classify the variant as likely pathogenic. Further information however may lead to up- or downrating and therefore should be followed closely.

Ambry Genetics
Classification: Uncertain significance for Inborn genetic diseases. Last evaluated: 2020-08-18. Review status: criteria provided, single submitter. Criteria: Ambry Variant Classification Scheme 2023. Collection method: clinical testing. Allele origin: germline.
Comment: The p.L671P variant (also known as c.2012T>C), located in coding exon 12 of the TRPV4 gene, results from a T to C substitution at nucleotide position 2012. The leucine at codon 671 is replaced by proline, an amino acid with similar properties. This amino acid position is highly conserved in available vertebrate species. In addition, this alteration is predicted to be deleterious by in silico analysis. Since supporting evidence is limited at this time, the clinical significance of this alteration remains unclear.